The following is an entry in ClinVar:

ClinVar aggregate classification (germline): Uncertain significance (1 of 4 stars; one submission).

Submission:

Labcorp Genetics (formerly Invitae), Labcorp
Classification: Uncertain significance. Last evaluated: 2022-07-12. Review status: criteria provided, single submitter. Criteria: Invitae Variant Classification Sherloc (09022015). Collection method: clinical testing. Allele origin: germline.
Comment: In summary, the available evidence is currently insufficient to determine the role of this variant in disease. Therefore, it has been classified as a Variant of Uncertain Significance. Algorithms developed to predict the effect of missense changes on protein structure and function are either unavailable or do not agree on the potential impact of this missense change (SIFT: "Tolerated"; PolyPhen-2: "Possibly Damaging"; Align-GVGD: "Class C0"). ClinVar contains an entry for this variant (Variation ID: 1392628). This variant has not been reported in the literature in individuals affected with EMC1-related conditions. This variant is not present in population databases (gnomAD no frequency). This sequence change replaces alanine, which is neutral and non-polar, with serine, which is neutral and polar, at codon 509 of the EMC1 protein (p.Ala509Ser).

NM_015047.3(EMC1):c.1525G>T (p.Ala509Ser)

Genes: EMC1 (ER membrane protein complex subunit 1; minus strand), EMC1-AS1 (EMC1 antisense RNA 1; plus strand). Cytogenetic location: 1p36.13.
Variant type: single nucleotide variant.
Coding change: c.1525G>T on transcript NM_015047.3 (MANE Select); coding-DNA position 1525, G replaced by T.
Protein change: p.Ala509Ser; replaces alanine 509 with serine.
Molecular consequence: missense variant.
Genome position (GRCh38, 1-based): chr1:19,233,043, C>A on the plus strand (G>T on the coding strand, the complement: EMC1 is on the minus strand). VCF-style: chr1-19233043-C-A. GRCh37 (hg19) VCF-style: chr1-19559537-C-A.
Other names: c.1522G>T, p.Ala508Ser (NM_001271427.2, NM_001271428.2); c.1459G>T, p.Ala487Ser (NM_001271429.2); c.1534G>T, p.Ala512Ser (NM_001375820.1); c.1531G>T, p.Ala511Ser (NM_001375821.1); short protein forms A508S, A512S, A487S, A509S, A511S.
Identifiers: ClinVar variation 1392628 (VCV001392628.6), dbSNP rs2151949818, ClinGen allele CA338762795.
Genomic context (GRCh38, chr1:19,233,043, plus strand): 5'-CATCTCTGGCCAGGGTGTCAATGTTGATCTCATTCTTAATCTGACTCCGGGGCTTCCGAG[C>A]ATCATAAAACATTTTCCAGAGGTGGGAAGTCCATGCTTGCAGCAGGATAAGCTGAGACGA-3'
Protein context (NP_055862.1, residues 499-519): TSHLWKMFYD[Ala509Ser]RKPRSQIKNE